The following is an entry in ClinVar:

NM_031935.3(HMCN1):c.9034C>A (p.Leu3012Ile)

Gene: HMCN1 (hemicentin 1; plus strand). Cytogenetic location: 1q31.1.
Variant type: single nucleotide variant.
Coding change: c.9034C>A on transcript NM_031935.3 (MANE Select); coding-DNA position 9034, C replaced by A.
Protein change: p.Leu3012Ile; replaces leucine 3012 with isoleucine.
Molecular consequence: missense variant.
Genome position (GRCh38, 1-based): chr1:186,086,395, C>A. VCF-style: chr1-186086395-C-A. GRCh37 (hg19) VCF-style: chr1-186055527-C-A.
Other names: short protein forms L3012I.
Identifiers: ClinVar variation 1450130 (VCV001450130.6), dbSNP rs267598234, ClinGen allele CA343917957.

ClinVar aggregate classification (germline): Uncertain significance (1 of 4 stars; one submission).

Submission:

Labcorp Genetics (formerly Invitae), Labcorp
Classification: Uncertain significance. Last evaluated: 2023-05-15. Review status: criteria provided, single submitter. Criteria: Invitae Variant Classification Sherloc (09022015). Collection method: clinical testing. Allele origin: germline.
Comment: ClinVar contains an entry for this variant (Variation ID: 1450130). This variant has not been reported in the literature in individuals affected with HMCN1-related conditions. An algorithm developed to predict the effect of missense changes on protein structure and function (PolyPhen-2) suggests that this variant is likely to be tolerated. In summary, the available evidence is currently insufficient to determine the role of this variant in disease. Therefore, it has been classified as a Variant of Uncertain Significance. This variant is not present in population databases (gnomAD no frequency). This sequence change replaces leucine, which is neutral and non-polar, with isoleucine, which is neutral and non-polar, at codon 3012 of the HMCN1 protein (p.Leu3012Ile).